The following is an entry in ClinVar:

ClinVar aggregate classification (germline): Uncertain significance. Review status: criteria provided, multiple submitters, no conflicts (2 of 4 stars). 2 submissions from 2 submitters: Uncertain significance (2). Last evaluated 2023-06-08.

Conditions:
Marfan syndrome (MFS). Also called: Marfan syndrome type 1; Marfan's syndrome; FBN1-Related Marfan Syndrome; MARFAN SYNDROME, TYPE I; Marfan syndrome, classic. Identifiers: Orphanet 284963, Orphanet 558, MedGen C0024796, MONDO:0007947, OMIM 154700.

Submissions (2):

All of Us Research Program, National Institutes of Health
Classification: Uncertain significance for Marfan syndrome. Last evaluated: 2023-06-08. Review status: criteria provided, single submitter. Criteria: ACMG Guidelines, 2015. Collection method: clinical testing. Allele origin: germline. Inheritance: Autosomal dominant inheritance. Observed: 1 variant allele, 1 heterozygote.
Comment: This missense variant replaces methionine with threonine at codon 573 of the FBN1 protein. Computational prediction suggests that this variant may not impact protein structure and function (internally defined REVEL score threshold <= 0.5, PMID: 27666373). To our knowledge, functional studies have not been reported for this variant. This variant has not been reported in individuals affected with FBN1-related disorders in the literature. This variant has not been identified in the general population by the Genome Aggregation Database (gnomAD). The available evidence is insufficient to determine the role of this variant in disease conclusively. Therefore, this variant is classified as a Variant of Uncertain Significance.

This study involves interpretation of variants in research participants for the purpose of population health screening. Participant phenotype was not available at the time of variant classification. Additional details can be found in publication PMID: 35346344, PMCID: PMC8962531

GeneDx
Classification: Uncertain significance. Last evaluated: 2019-04-19. Review status: criteria provided, single submitter. Criteria: GeneDx Variant Classification Process June 2021. Collection method: clinical testing. Allele origin: germline. Affected: yes.
Comment: Has not been previously published as pathogenic or benign to our knowledge; Although located in a calcium-binding EGF-like domain of the FBN1 gene, it does not affect a cysteine residue within this domain; cysteine substitutions in the calcium-binding EGF-like domains represent the majority of pathogenic missense changes associated with FBN1-related disorders (Collod-Beroud et al., 2003); Not observed in large population cohorts (Lek et al., 2016); In silico analysis, which includes protein predictors and evolutionary conservation, supports that this variant does not alter protein structure/function

NM_000138.5(FBN1):c.1718T>C (p.Met573Thr)

Gene: FBN1 (fibrillin 1; minus strand). Cytogenetic location: 15q21.1.
Variant type: single nucleotide variant.
Coding change: c.1718T>C on transcript NM_000138.5 (MANE Select); coding-DNA position 1718, T replaced by C.
Protein change: p.Met573Thr; replaces methionine 573 with threonine.
Molecular consequence: missense variant.
Genome position (GRCh38, 1-based): chr15:48,508,701, A>G on the plus strand (T>C on the coding strand, the complement: FBN1 is on the minus strand). VCF-style: chr15-48508701-A-G. GRCh37 (hg19) VCF-style: chr15-48800898-A-G.
Other names: short protein forms M573T.
Identifiers: ClinVar variation 1302568 (VCV001302568.3), dbSNP rs2141321700, ClinGen allele CA392340698.
Genomic context (GRCh38, chr15:48,508,701, plus strand): 5'-CTGCCATCTTCATTGATACACATTCCATTAAGGCACATGTTCCTTATGCTGCATTCATCC[A>G]TATCTGAAAATACAAAACATACATTTTCTTATGACCAGAAGAGTAAGCTTACGAAGGAAA-3'
Protein context (NP_000129.3, residues 563-583): VTRDGKNCED[Met573Thr]DECSIRNMCL